The following is an entry in ClinVar:

NM_001206999.2(CIT):c.1125C>T (p.Phe375=)

Gene: CIT (citron rho-interacting serine/threonine kinase; minus strand). Cytogenetic location: 12q24.23.
Variant type: single nucleotide variant.
Coding change: c.1125C>T on transcript NM_001206999.2 (MANE Select); coding-DNA position 1125, C replaced by T.
Protein change: p.Phe375=; no amino-acid change (phenylalanine 375 retained).
Molecular consequence: synonymous variant.
Genome position (GRCh38, 1-based): chr12:119,803,376, G>A on the plus strand (C>T on the coding strand, the complement: CIT is on the minus strand). VCF-style: chr12-119803376-G-A. GRCh37 (hg19) VCF-style: chr12-120241180-G-A.
Other names: c.1125C>T, p.Phe375= (NM_007174.3); c.1125C>T (NM_001206999.1).
Identifiers: ClinVar variation 2173063 (VCV002173063.6), dbSNP rs200757503, ClinGen allele CA6822179.

ClinVar aggregate classification (germline): Uncertain significance. Review status: criteria provided, single submitter (1 of 4 stars). 2 submissions from 2 submitters: Uncertain significance (1). 1 of the submissions does not count toward it. Last evaluated 2023-12-11.

Conditions:
CIT-related disorder. Also called: CIT-related condition.

Allele frequency attached by ClinVar (database versions not stated): gnomAD 0.00003; TOPMed 0.00004; ExAC 0.00008; 1000 Genomes Project 30x 0.00016; 1000 Genomes Project 0.00020.
gnomAD v4.1: 33 of 1,570,490 alleles (0.0021%); highest among the groups gnomAD compares: East Asian, 0.035%; no homozygotes.

Submissions (2):

Labcorp Genetics (formerly Invitae), Labcorp
Classification: Uncertain significance. Last evaluated: 2023-12-11. Review status: criteria provided, single submitter. Criteria: Invitae Variant Classification Sherloc (09022015). Collection method: clinical testing. Allele origin: germline.
Comment: This sequence change affects codon 375 of the CIT mRNA. It is a 'silent' change, meaning that it does not change the encoded amino acid sequence of the CIT protein. This variant is present in population databases (rs200757503, gnomAD 0.05%). This variant has not been reported in the literature in individuals affected with CIT-related conditions. ClinVar contains an entry for this variant (Variation ID: 2173063). Algorithms developed to predict the effect of sequence changes on RNA splicing suggest that this variant may disrupt the consensus splice site. In summary, the available evidence is currently insufficient to determine the role of this variant in disease. Therefore, it has been classified as a Variant of Uncertain Significance.

PreventionGenetics, part of Exact Sciences
Classification: Likely benign for CIT-related condition. Last evaluated: 2020-01-27. Review status: no assertion criteria provided. Collection method: clinical testing. Allele origin: germline. Not counted in ClinVar's aggregate classification.
Comment: This variant is classified as likely benign based on ACMG/AMP sequence variant interpretation guidelines (Richards et al. 2015 PMID: 25741868, with internal and published modifications).